The following is an entry in ClinVar:

NM_000179.3(MSH6):c.3153A>G (p.Val1051=)

Gene: MSH6 (mutS homolog 6; plus strand). Cytogenetic location: 2p16.3.
Variant type: single nucleotide variant.
Coding change: c.3153A>G on transcript NM_000179.3 (MANE Select); coding-DNA position 3153, A replaced by G.
Protein change: p.Val1051=; no amino-acid change (valine 1051 retained).
Molecular consequence: synonymous variant.
Genome position (GRCh38, 1-based): chr2:47,801,136, A>G. VCF-style: chr2-47801136-A-G. GRCh37 (hg19) VCF-style: chr2-48028275-A-G.
Other names: c.2763A>G, p.Val921= (NM_001281492.2); c.2247A>G, p.Val749= (NM_001281493.2, NM_001281494.2).
Identifiers: ClinVar variation 383322 (VCV000383322.18), dbSNP rs1057521587, ClinGen allele CA16604193.
Genomic context (GRCh38, chr2:47,801,136, plus strand): 5'-CTGCATGCGGCGACTGTTCTATAACTTTGATAAAAATTACAAGGACTGGCAGTCTGCTGT[A>G]GAGTGTATCGCAGTGTTGGGTAAGACTTTGAACAAGCTTGTTCTCAGGCTTTGATAAGTA-3'
Protein context (NP_000170.1, residues 1041-1061): DKNYKDWQSA[Val1051=]ECIAVLDVLL

ClinVar aggregate classification (germline): Benign/Likely benign. Review status: criteria provided, multiple submitters, no conflicts (2 of 4 stars). 7 submissions from 7 submitters: Benign (1); Likely benign (6). Last evaluated 2025-12-25.

Conditions:
Hereditary cancer-predisposing syndrome. Also called: Hereditary Cancer Syndrome; Hereditary neoplastic syndrome; Neoplastic Syndromes, Hereditary; Tumor predisposition. Identifiers: Orphanet 140162, MedGen C0027672, MeSH D009386, MONDO:0015356.
Hereditary nonpolyposis colorectal neoplasms. Identifiers: MedGen C0009405, MeSH D003123.
Lynch syndrome 5 (LYNCH5). Also called: Hereditary non-polyposis colorectal cancer, type 5; Colorectal cancer, hereditary nonpolyposis, type 5. Identifiers: Orphanet 144, MedGen C1833477, MONDO:0013710, OMIM 614350. Disease mechanism: loss of function.

Allele frequency attached by ClinVar (database versions not stated): gnomAD exomes below 0.00001.
gnomAD v4.1: 6 of 1,611,552 alleles (0.00037%); highest among the groups gnomAD compares: South Asian, 0.0011%; no homozygotes.

Submissions (7):

Labcorp Genetics (formerly Invitae), Labcorp
Classification: Likely benign for Hereditary nonpolyposis colorectal neoplasms. Last evaluated: 2025-12-25. Review status: criteria provided, single submitter. Criteria: Invitae Variant Classification Sherloc (09022015). Collection method: clinical testing. Allele origin: germline.

Myriad Genetics, Inc.
Classification: Benign for Lynch syndrome 5. Last evaluated: 2025-01-03. Review status: criteria provided, single submitter. Criteria: Myriad Autosomal Dominant, Autosomal Recessive and X-Linked Classification Criteria (2023). Collection method: clinical testing. Allele origin: unknown.
Comment: This variant is considered benign. This variant is a silent/synonymous amino acid change and it is not expected to impact splicing.

Sema4
Classification: Likely benign for Hereditary cancer-predisposing syndrome. Last evaluated: 2021-12-28. Review status: criteria provided, single submitter. Criteria: Sema4 Curation Guidelines. Collection method: curation. Allele origin: germline.

Mendelics
Classification: Likely benign for Lynch syndrome 5. Last evaluated: 2019-05-28. Review status: criteria provided, single submitter. Criteria: Mendelics Assertion Criteria 2017. Collection method: clinical testing. Allele origin: unknown.

Ambry Genetics
Classification: Likely benign for Hereditary cancer-predisposing syndrome. Last evaluated: 2018-09-13. Review status: criteria provided, single submitter. Criteria: Ambry Variant Classification Scheme 2023. Collection method: clinical testing. Allele origin: germline.

Color Diagnostics, LLC DBA Color Health
Classification: Likely benign for Hereditary cancer-predisposing syndrome. Last evaluated: 2018-09-04. Review status: criteria provided, single submitter. Criteria: ACMG Guidelines, 2015. Collection method: clinical testing. Allele origin: germline.

GeneDx
Classification: Likely benign. Last evaluated: 2016-01-21. Review status: criteria provided, single submitter. Criteria: GeneDx Variant Classification (06012015). Collection method: clinical testing. Allele origin: germline. Affected: yes.
Comment: This variant is considered likely benign or benign based on one or more of the following criteria: it is a conservative change, it occurs at a poorly conserved position in the protein, it is predicted to be benign by multiple in silico algorithms, and/or has population frequency not consistent with disease.